The following is an entry in ClinVar:

ClinVar aggregate classification (germline): Benign/Likely benign. Review status: criteria provided, multiple submitters, no conflicts (2 of 4 stars). 4 submissions from 4 submitters: Benign (1); Likely benign (3). Last evaluated 2026-01-21.

Conditions:
Hereditary nonpolyposis colorectal neoplasms. Identifiers: MedGen C0009405, MeSH D003123.
Hereditary cancer-predisposing syndrome. Also called: Neoplastic Syndromes, Hereditary; Tumor predisposition; Hereditary Cancer Syndrome; Hereditary neoplastic syndrome. Identifiers: Orphanet 140162, MedGen C0027672, MeSH D009386, MONDO:0015356.
Lynch syndrome 4 (LYNCH4). Also called: Colorectal cancer, hereditary nonpolyposis, type 4; Hereditary non-polyposis colorectal cancer, type 4. Identifiers: Orphanet 144, MedGen C1838333, MONDO:0013699, OMIM 614337. Disease mechanism: loss of function.

Allele frequency attached by ClinVar (database versions not stated): gnomAD 0.00001.

Submissions (4):

Labcorp Genetics (formerly Invitae), Labcorp
Classification: Likely benign for Hereditary nonpolyposis colorectal neoplasms. Last evaluated: 2026-01-21. Review status: criteria provided, single submitter. Criteria: Invitae Variant Classification Sherloc (09022015). Collection method: clinical testing. Allele origin: germline.

Myriad Genetics, Inc.
Classification: Benign for Lynch syndrome 4. Last evaluated: 2025-02-03. Review status: criteria provided, single submitter. Criteria: Myriad Autosomal Dominant, Autosomal Recessive and X-Linked Classification Criteria (2023). Collection method: clinical testing. Allele origin: unknown.
Comment: This variant is considered benign. This variant is a silent/synonymous amino acid change and it is not expected to impact splicing.

Color Diagnostics, LLC DBA Color Health
Classification: Likely benign for Hereditary cancer-predisposing syndrome. Last evaluated: 2025-01-19. Review status: criteria provided, single submitter. Criteria: ACMG Guidelines, 2015. Collection method: clinical testing. Allele origin: germline.

Ambry Genetics
Classification: Likely benign for Hereditary cancer-predisposing syndrome. Last evaluated: 2015-03-18. Review status: criteria provided, single submitter. Criteria: Ambry Variant Classification Scheme 2023. Collection method: clinical testing. Allele origin: germline.

NM_000535.7(PMS2):c.2199T>C (p.Ala733=)

Gene: PMS2 (PMS1 homolog 2, mismatch repair system component; minus strand). Cytogenetic location: 7p22.1.
Variant type: single nucleotide variant.
Coding change: c.2199T>C on transcript NM_000535.7 (MANE Select); coding-DNA position 2199, T replaced by C.
Protein change: p.Ala733=; no amino-acid change (alanine 733 retained).
Molecular consequence: synonymous variant. On other transcripts: non-coding transcript variant (1).
Genome position (GRCh38, 1-based): chr7:5,978,672, A>G on the plus strand (T>C on the coding strand, the complement: PMS2 is on the minus strand). VCF-style: chr7-5978672-A-G. GRCh37 (hg19) VCF-style: chr7-6018303-A-G.
Other names: c.1266T>C, p.Ala422= (NM_001322011.2, NM_001322012.2); c.1626T>C, p.Ala542= (NM_001322013.2); c.2199T>C, p.Ala733= (NM_001322014.2); c.1890T>C, p.Ala630= (NM_001322015.2); c.1794T>C, p.Ala598= (NM_001322003.2, NM_001322004.2, NM_001322005.2 and 1 more transcripts); c.2043T>C, p.Ala681= (NM_001322006.2); c.1881T>C, p.Ala627= (NM_001322007.2, NM_001322008.2); c.1638T>C, p.Ala546= (NM_001322010.2).
Identifiers: ClinVar variation 231089 (VCV000231089.18), dbSNP rs876658952, ClinGen allele CA10578650.
Genomic context (GRCh38, chr7:5,978,672, plus strand): 5'-AAAATCAAAGCCATTCTTTCTAAATATTTCCAGATTTTCTATCAGAACAGCTTCATTAAC[A>G]GCAGTTAAGTTGAGAGTCTGAGGTCTGAAAAACACAAAAATGATTCAAACCATATCCTGA-3'
Protein context (NP_000526.2, residues 723-743): LIAPQTLNLT[Ala733=]VNEAVLIENL